The following is an entry in ClinVar:

NM_001042492.3(NF1):c.7171del (p.Val2391fs)

Gene: NF1 (neurofibromin 1; plus strand). Cytogenetic location: 17q11.2.
Variant type: Deletion.
Coding change: c.7171del on transcript NM_001042492.3 (MANE Select); coding-DNA position 7171, one base deleted (G; older notation c.7171delG).
Protein change: p.Val2391fs; shifts the reading frame from valine 2391.
Molecular consequence: frameshift variant.
Genome position (GRCh38, 1-based): chr17:31,343,117, G deleted; the last of 2 consecutive G bases (chr17:31,343,116-31,343,117); deleting either gives the same sequence. VCF-style (leftmost placement, unchanged base first): chr17-31343115-TG-T. GRCh37 (hg19) VCF-style: chr17-29670133-TG-T.
Other names: c.7108delG (NM_000267.3); c.7108delG, p.Val2370Leufs (NM_000267.4); c.7170delG (NM_001042492.3); short protein forms V2370fs, V2391fs.
Identifiers: ClinVar variation 1048673 (VCV001048673.3), dbSNP rs2151565274, ClinGen allele CA2499224214.

ClinVar aggregate classification (germline): Pathogenic. Review status: criteria provided, single submitter (1 of 4 stars). 2 submissions from 2 submitters: Pathogenic (1). 1 of the submissions does not count toward it. Last evaluated 2017-06-19.

Conditions:
Cardiovascular phenotype. Identifiers: MedGen CN230736.
Hereditary cancer-predisposing syndrome. Also called: Hereditary Cancer Syndrome; Tumor predisposition; Hereditary neoplastic syndrome; Neoplastic Syndromes, Hereditary. Identifiers: Orphanet 140162, MedGen C0027672, MeSH D009386, MONDO:0015356.
Neurofibromatosis, type 1 (NF1). Also called: Peripheral type neurofibromatosis; Neurofibromatosis, type I; VON RECKLINGHAUSEN DISEASE; NEUROFIBROMATOSIS, TYPE I, SOMATIC. Identifiers: Orphanet 636, MedGen C0027831, MONDO:0018975, OMIM 162200. Disease mechanism: loss of function.

Submissions (2):

Ambry Genetics
Classification: Pathogenic for Cardiovascular phenotype; Hereditary cancer-predisposing syndrome. Last evaluated: 2017-06-19. Review status: criteria provided, single submitter. Criteria: Ambry Variant Classification Scheme 2023. Collection method: clinical testing. Allele origin: germline.
Comment: The c.7108delG pathogenic mutation, located in coding exon 47 of the NF1 gene, results from a deletion of one nucleotide at nucleotide position 7108, causing a translational frameshift with a predicted alternate stop codon (p.V2370Lfs*5). This alteration is expected to result in loss of function by premature protein truncation or nonsense-mediated mRNA decay. As such, this alteration is interpreted as a disease-causing mutation.

Laboratory of Medical Genetics, National & Kapodistrian University of Athens
Classification: Pathogenic for Neurofibromatosis, type 1. Last evaluated: 2020-01-01. Review status: no assertion criteria provided. Collection method: clinical testing. Allele origin: germline. Affected: yes. Not counted in ClinVar's aggregate classification.